The following is an entry in ClinVar:

NM_001048174.2(MUTYH):c.146T>C (p.Leu49Ser)

Gene: MUTYH (mutY DNA glycosylase; minus strand). Cytogenetic location: 1p34.1.
Variant type: single nucleotide variant.
Coding change: c.146T>C on transcript NM_001048174.2 (MANE Select); coding-DNA position 146, T replaced by C.
Protein change: p.Leu49Ser; replaces leucine 49 with serine.
Molecular consequence: missense variant. On other transcripts: non-coding transcript variant (5), intron variant (5), 5 prime UTR variant (1).
Genome position (GRCh38, 1-based): chr1:45,333,531, A>G on the plus strand (T>C on the coding strand, the complement: MUTYH is on the minus strand). VCF-style: chr1-45333531-A-G. GRCh37 (hg19) VCF-style: chr1-45799203-A-G.
Other names: c.146T>C, p.Leu49Ser (NM_001407080.1, NM_001407081.1, NM_001407088.1 and 6 more transcripts); c.188T>C, p.Leu63Ser (NM_001407083.1, NM_001407085.1, NM_001407073.1); c.149T>C, p.Leu50Ser (NM_001407086.1, NM_001048172.2, NM_001407071.1 and 2 more transcripts); c.167T>C, p.Leu56Ser (NM_001407087.1); c.221T>C, p.Leu74Ser (NM_012222.3, NM_001407069.1); c.-92-34T>C (NM_001350651.2, NM_001407082.1); c.-97-34T>C (NM_001293192.2, NM_001293196.2, NM_001407091.1); c.230T>C, p.Leu77Ser (NM_001128425.2); and 4 more; short protein forms L50S, L56S, L60S, L63S, L21S, L74S, L77S, L49S.
Identifiers: ClinVar variation 4113531 (VCV004113531.1).

ClinVar aggregate classification (germline): Uncertain significance (1 of 4 stars; one submission).

Conditions:
Hereditary cancer-predisposing syndrome. Also called: Hereditary neoplastic syndrome; Neoplastic Syndromes, Hereditary; Tumor predisposition; Hereditary Cancer Syndrome. Identifiers: Orphanet 140162, MedGen C0027672, MeSH D009386, MONDO:0015356.

Submission:

Ambry Genetics
Classification: Uncertain significance for Hereditary cancer-predisposing syndrome. Last evaluated: 2025-08-27. Review status: criteria provided, single submitter. Criteria: Ambry Variant Classification Scheme 2023. Collection method: clinical testing. Allele origin: germline.
Comment: The p.L77S variant (also known as c.230T>C), located in coding exon 3 of the MUTYH gene, results from a T to C substitution at nucleotide position 230. The leucine at codon 77 is replaced by serine, an amino acid with dissimilar properties. This amino acid position is conserved. In addition, this alteration is predicted to be tolerated by in silico analysis. Based on the available evidence, the clinical significance of this variant remains unclear.